The following is an entry in ClinVar:

NM_001164508.2(NEB):c.9373G>A (p.Asp3125Asn)

Gene: NEB (nebulin; minus strand). Cytogenetic location: 2q23.3.
Variant type: single nucleotide variant.
Coding change: c.9373G>A on transcript NM_001164508.2 (MANE Select); coding-DNA position 9373, G replaced by A.
Protein change: p.Asp3125Asn; replaces aspartic acid 3125 with asparagine.
Molecular consequence: missense variant. On other transcripts: intron variant (1).
Genome position (GRCh38, 1-based): chr2:151,633,695, C>T on the plus strand (G>A on the coding strand, the complement: NEB is on the minus strand). VCF-style: chr2-151633695-C-T. GRCh37 (hg19) VCF-style: chr2-152490209-C-T.
Other names: c.9373G>A, p.Asp3125Asn (NM_001164507.2, NM_001271208.2); c.8854-2517G>A (NM_004543.5); short protein forms D3125N.
Identifiers: ClinVar variation 854947 (VCV000854947.15), dbSNP rs375811851, ClinGen allele CA1909341.

ClinVar aggregate classification (germline): Uncertain significance. Review status: criteria provided, multiple submitters, no conflicts (2 of 4 stars). 4 submissions from 4 submitters: Uncertain significance (3). 1 of the submissions does not count toward it. Last evaluated 2025-12-03.

Conditions:
Nemaline myopathy 2 (NEM2). Also called: Nemaline myopathy 2, autosomal recessive. Identifiers: MedGen C1850569, MONDO:0009725, OMIM 256030.

Allele frequency attached by ClinVar (database versions not stated): ExAC 0.00001; gnomAD exomes 0.00002 and 0.00004; TOPMed 0.00006; gnomAD 0.00008; ESP Exome Variant Server 0.00044.
gnomAD v4.1: 64 of 1,613,702 alleles (0.004%); highest among the groups gnomAD compares: African/African-American, 0.0053%; no homozygotes.

Submissions (4):

Labcorp Genetics (formerly Invitae), Labcorp
Classification: Uncertain significance for Nemaline myopathy 2. Last evaluated: 2025-12-03. Review status: criteria provided, single submitter. Criteria: Invitae Variant Classification Sherloc (09022015). Collection method: clinical testing. Allele origin: germline.
Comment: This sequence change replaces aspartic acid, which is acidic and polar, with asparagine, which is neutral and polar, at codon 3125 of the NEB protein (p.Asp3125Asn). This variant is present in population databases (rs375811851, gnomAD 0.006%). This variant has not been reported in the literature in individuals affected with NEB-related conditions. ClinVar contains an entry for this variant (Variation ID: 854947). Experimental studies and prediction algorithms are not available or were not evaluated, and the functional significance of this variant is currently unknown. In summary, the available evidence is currently insufficient to determine the role of this variant in disease. Therefore, it has been classified as a Variant of Uncertain Significance.

GeneDx
Classification: Uncertain significance. Last evaluated: 2025-04-15. Review status: criteria provided, single submitter. Criteria: GeneDx Variant Classification Process June 2021. Collection method: clinical testing. Allele origin: germline. Affected: yes.
Comment: Not observed at significant frequency in large population cohorts (gnomAD); In silico analysis indicates that this missense variant does not alter protein structure/function; Has not been previously published as pathogenic or benign to our knowledge

Revvity Omics, Revvity
Classification: Uncertain significance. Last evaluated: 2020-09-24. Review status: criteria provided, single submitter. Criteria: ACMG Guidelines, 2015. Collection method: clinical testing. Allele origin: germline.

Natera, Inc.
Classification: Uncertain significance for Nemaline myopathy type 2. Last evaluated: 2020-01-24. Review status: no assertion criteria provided. Collection method: clinical testing. Allele origin: germline. Not counted in ClinVar's aggregate classification.